The following is an entry in ClinVar:

NM_006245.4(PPP2R5D):c.1615C>T (p.Pro539Ser)

Gene: PPP2R5D (protein phosphatase 2 regulatory subunit B'delta; plus strand). Cytogenetic location: 6p21.1.
Variant type: single nucleotide variant.
Coding change: c.1615C>T on transcript NM_006245.4 (MANE Select); coding-DNA position 1615, C replaced by T.
Protein change: p.Pro539Ser; replaces proline 539 with serine.
Molecular consequence: missense variant.
Genome position (GRCh38, 1-based): chr6:43,010,941, C>T. VCF-style: chr6-43010941-C-T. GRCh37 (hg19) VCF-style: chr6-42978679-C-T.
Other names: c.1162C>T, p.Pro388Ser (NM_001270476.2); c.1519C>T, p.Pro507Ser (NM_180976.3); c.1297C>T, p.Pro433Ser (NM_180977.3); short protein forms P388S, P433S, P507S, P539S.
Identifiers: ClinVar variation 1502906 (VCV001502906.6), dbSNP rs1762323622, ClinGen allele CA364142395.

ClinVar aggregate classification (germline): Uncertain significance (1 of 4 stars; one submission).

Submission:

Labcorp Genetics (formerly Invitae), Labcorp
Classification: Uncertain significance. Last evaluated: 2022-07-11. Review status: criteria provided, single submitter. Criteria: Invitae Variant Classification Sherloc (09022015). Collection method: clinical testing. Allele origin: germline.
Comment: This sequence change replaces proline, which is neutral and non-polar, with serine, which is neutral and polar, at codon 539 of the PPP2R5D protein (p.Pro539Ser). In summary, the available evidence is currently insufficient to determine the role of this variant in disease. Therefore, it has been classified as a Variant of Uncertain Significance. Algorithms developed to predict the effect of missense changes on protein structure and function (SIFT, PolyPhen-2, Align-GVGD) all suggest that this variant is likely to be tolerated. ClinVar contains an entry for this variant (Variation ID: 1502906). This variant has not been reported in the literature in individuals affected with PPP2R5D-related conditions. This variant is not present in population databases (gnomAD no frequency).